The following is an entry in ClinVar:

NM_001080421.3(UNC13A):c.2472+415G>C

Gene: UNC13A (unc-13 homolog A; minus strand). Cytogenetic location: 19p13.11.
Variant type: single nucleotide variant.
Coding change: c.2472+415G>C on transcript NM_001080421.3 (MANE Select); 415 bases into the intron after coding-DNA position 2472, G replaced by C.
Molecular consequence: intron variant.
Genome position (GRCh38, 1-based): chr19:17,642,430, C>G on the plus strand (G>C on the coding strand, the complement: UNC13A is on the minus strand). VCF-style: chr19-17642430-C-G. GRCh37 (hg19) VCF-style: chr19-17753239-C-G.
Other names: c.2466+415G>C (NM_001387022.1, NM_001387023.1, NM_001387021.1).
Identifiers: ClinVar variation 5001826 (VCV005001826.1).
Genomic context (GRCh38, chr19:17,642,430, plus strand): 5'-GAATCTACCCACCAACTCATCCATCTATCCATCCATGTACTCACCCATCTCTCCATCCAT[C>G]CTTTTATCTACTCATCACTCATTCATCTGTTCAATCATTCATTCATTCACCAGCATTTAT-3'

ClinVar aggregate classification (germline): Likely benign (1 of 4 stars; one submission).

Conditions:
UNC13A-related disorder. Also called: UNC13A-related condition.

gnomAD v4.1: 47,020 of 152,100 alleles (31%); highest among the groups gnomAD compares: South Asian, 37%; 7,584 homozygotes.

Submission:

PreventionGenetics, part of Exact Sciences
Classification: Likely benign for UNC13A-related condition. Last evaluated: 2025-02-28. Review status: criteria provided, single submitter. Criteria: ACMG Guidelines, 2015. Collection method: clinical testing. Allele origin: germline.
Comment: This variant is classified as likely benign based on ACMG/AMP sequence variant interpretation guidelines (Richards et al. 2015 PMID: 25741868, with internal and published modifications).